The following is an entry in ClinVar:

ClinVar aggregate classification (germline): Uncertain significance. Review status: criteria provided, multiple submitters, no conflicts (2 of 4 stars). 2 submissions from 2 submitters: Uncertain significance (2). Last evaluated 2024-04-02.

Submissions (2):

GeneDx
Classification: Uncertain significance. Last evaluated: 2024-04-02. Review status: criteria provided, single submitter. Criteria: GeneDx Variant Classification Process June 2021. Collection method: clinical testing. Allele origin: germline. Affected: yes.
Comment: Not observed at significant frequency in large population cohorts (gnomAD); In silico analysis supports that this missense variant has a deleterious effect on protein structure/function; Has not been previously published as pathogenic or benign to our knowledge

Labcorp Genetics (formerly Invitae), Labcorp
Classification: Uncertain significance. Last evaluated: 2022-07-29. Review status: criteria provided, single submitter. Criteria: Invitae Variant Classification Sherloc (09022015). Collection method: clinical testing. Allele origin: germline.
Comment: In summary, the available evidence is currently insufficient to determine the role of this variant in disease. Therefore, it has been classified as a Variant of Uncertain Significance. Algorithms developed to predict the effect of missense changes on protein structure and function are either unavailable or do not agree on the potential impact of this missense change (SIFT: "Not Available"; PolyPhen-2: "Benign"; Align-GVGD: "Not Available"). This variant has not been reported in the literature in individuals affected with IKZF1-related conditions. This variant is not present in population databases (gnomAD no frequency). This sequence change replaces proline, which is neutral and non-polar, with histidine, which is basic and polar, at codon 19 of the IKZF1 protein (p.Pro19His).

NM_006060.6(IKZF1):c.56C>A (p.Pro19His)

Gene: IKZF1 (IKAROS family zinc finger 1; plus strand). Cytogenetic location: 7p12.2.
Variant type: single nucleotide variant.
Coding change: c.56C>A on transcript NM_006060.6 (MANE Select); coding-DNA position 56, C replaced by A.
Protein change: p.Pro19His; replaces proline 19 with histidine.
Molecular consequence: missense variant.
Genome position (GRCh38, 1-based): chr7:50,327,653, C>A. VCF-style: chr7-50327653-C-A. GRCh37 (hg19) VCF-style: chr7-50367249-C-A.
Other names: c.56C>A (NM_006060.5); c.56C>A, p.Pro19His (NM_001220765.3, NM_001291843.1, NM_001291844.1 and 14 more transcripts); short protein forms P19H.
Identifiers: ClinVar variation 2020375 (VCV002020375.5), dbSNP rs752227855, ClinGen allele CA367569309.